The following is an entry in ClinVar:

NM_182914.3(SYNE2):c.18551G>A (p.Arg6184Gln)

Gene: SYNE2 (spectrin repeat containing nuclear envelope protein 2; plus strand). Cytogenetic location: 14q23.2.
Variant type: single nucleotide variant.
Coding change: c.18551G>A on transcript NM_182914.3 (MANE Select); coding-DNA position 18551, G replaced by A.
Protein change: p.Arg6184Gln; replaces arginine 6184 with glutamine.
Molecular consequence: missense variant.
Genome position (GRCh38, 1-based): chr14:64,209,952, G>A. VCF-style: chr14-64209952-G-A. GRCh37 (hg19) VCF-style: chr14-64676670-G-A.
Other names: c.18551G>A, p.Arg6184Gln (NM_015180.6); short protein forms R6184Q.
Identifiers: ClinVar variation 4749098 (VCV004749098.1).

ClinVar aggregate classification (germline): Uncertain significance (1 of 4 stars; one submission).

Conditions:
Emery-Dreifuss muscular dystrophy 5, autosomal dominant (EDMD5). Also called: EMERY-DREIFUSS MUSCULAR DYSTROPHY 5. Identifiers: Orphanet 261, MedGen C2751805, MONDO:0013072, OMIM 612999.

gnomAD v4.1: 14 of 1,614,122 alleles (0.00087%); highest among the groups gnomAD compares: Admixed American, 0.0033%; no homozygotes.

Submission:

Labcorp Genetics (formerly Invitae), Labcorp
Classification: Uncertain significance for Emery-Dreifuss muscular dystrophy 5, autosomal dominant. Last evaluated: 2025-09-04. Review status: criteria provided, single submitter. Criteria: Invitae Variant Classification Sherloc (09022015). Collection method: clinical testing. Allele origin: germline.
Comment: This sequence change replaces arginine, which is basic and polar, with glutamine, which is neutral and polar, at codon 6184 of the SYNE2 protein (p.Arg6184Gln). This variant is present in population databases (no rsID available, gnomAD 0.006%). This variant has not been reported in the literature in individuals affected with SYNE2-related conditions. An algorithm developed to predict the effect of missense changes on protein structure and function (PolyPhen-2) suggests that this variant is likely to be disruptive. In summary, the available evidence is currently insufficient to determine the role of this variant in disease. Therefore, it has been classified as a Variant of Uncertain Significance.